The following is an entry in ClinVar:

NM_032242.4(PLXNA1):c.4647C>G (p.Pro1549=)

Gene: PLXNA1 (plexin A1; plus strand). Cytogenetic location: 3q21.3.
Variant type: single nucleotide variant.
Coding change: c.4647C>G on transcript NM_032242.4 (MANE Select); coding-DNA position 4647, C replaced by G.
Protein change: p.Pro1549=; no amino-acid change (proline 1549 retained).
Molecular consequence: synonymous variant.
Genome position (GRCh38, 1-based): chr3:127,028,318, C>G. VCF-style: chr3-127028318-C-G. GRCh37 (hg19) VCF-style: chr3-126747161-C-G.
Identifiers: ClinVar variation 4979306 (VCV004979306.1).

ClinVar aggregate classification (germline): Likely benign (1 of 4 stars; one submission).

Conditions:
PLXNA1-related disorder. Also called: PLXNA1-related condition.

gnomAD v4.1: 46 of 1,611,786 alleles (0.0029%); highest among the groups gnomAD compares: South Asian, 0.049%; no homozygotes.

Submission:

PreventionGenetics, part of Exact Sciences
Classification: Likely benign for PLXNA1-related condition. Last evaluated: 2026-05-14. Review status: criteria provided, single submitter. Criteria: ACMG Guidelines, 2015. Collection method: clinical testing. Allele origin: germline.
Comment: This variant is classified as likely benign based on ACMG/AMP sequence variant interpretation guidelines (Richards et al. 2015 PMID: 25741868, with internal and published modifications).